The following is an entry in ClinVar:

NM_001379500.1(COL18A1):c.1070del (p.Pro357fs)

Gene: COL18A1 (collagen type XVIII alpha 1 chain; plus strand). Cytogenetic location: 21q22.3.
Variant type: Deletion.
Coding change: c.1070del on transcript NM_001379500.1 (MANE Select); coding-DNA position 1070, one base deleted (C; older notation c.1070delC).
Protein change: p.Pro357fs; shifts the reading frame from proline 357.
Molecular consequence: frameshift variant.
Genome position (GRCh38, 1-based): chr21:45,477,814, C deleted; the last of 6 consecutive C bases (chr21:45,477,809-45,477,814); deleting any one gives the same sequence. VCF-style (leftmost placement, unchanged base first): chr21-45477808-GC-G. GRCh37 (hg19) VCF-style: chr21-46897722-GC-G.
Other names: c.1610del, p.Pro537fs (NM_030582.4); c.2315del, p.Pro772fs (NM_130444.3); short protein forms P357fs, P537fs, P772fs.
Identifiers: ClinVar variation 1442812 (VCV001442812.8), dbSNP rs1555860555, ClinGen allele CA2573157593.
Genomic context (GRCh38, chr21:45,477,808, plus strand): 5'-AGGGCGGCCTGAAGGGGCAGAAAGGGGAGCCAGGTGTTCCGGGCCCACCTGGCCGGGCAG[GC>G]CCCCCAGGATCCCCATGCCTACCTGGTCCCCCGGGTCTCCCGTGCCCAGTGAGTCCCCTG-3'

ClinVar aggregate classification (germline): Pathogenic (1 of 4 stars; one submission).

Submission:

Labcorp Genetics (formerly Invitae), Labcorp
Classification: Pathogenic. Last evaluated: 2021-08-28. Review status: criteria provided, single submitter. Criteria: Invitae Variant Classification Sherloc (09022015). Collection method: clinical testing. Allele origin: germline.
Comment: For these reasons, this variant has been classified as Pathogenic. This variant has been observed in individual(s) with Knobloch syndrome (PMID: 32178553). This variant is also known as c.1610del (p.Pro537Glnfs*16). This variant is not present in population databases (ExAC no frequency). This sequence change creates a premature translational stop signal (p.Pro357Glnfs*16) in the COL18A1 gene. It is expected to result in an absent or disrupted protein product. Loss-of-function variants in COL18A1 are known to be pathogenic (PMID: 12415512, 25456301).

Literature cited by the submitters: PubMed 32178553; PubMed 12415512; PubMed 25456301.